The following is an entry in ClinVar:

NM_022552.5(DNMT3A):c.2401del (p.Gly800_Met801insTer)

Gene: DNMT3A (DNA methyltransferase 3 alpha; minus strand). Cytogenetic location: 2p23.3.
Variant type: Deletion.
Coding change: c.2401del on transcript NM_022552.5 (MANE Select); coding-DNA position 2401, one base deleted (A; older notation c.2401delA).
Protein change: p.Gly800_Met801insTer.
Molecular consequence: nonsense. On other transcripts: non-coding transcript variant (1).
Genome position (GRCh38, 1-based): chr2:25,239,137, T deleted on the plus strand (A on the coding strand, the reverse complement: DNMT3A is on the minus strand). VCF-style (leftmost placement, unchanged base first): chr2-25239136-AT-A. GRCh37 (hg19) VCF-style: chr2-25462005-AT-A.
Other names: c.1945del, p.Gly648_Met649insTer (NM_001320893.1); c.1732del, p.Gly577_Met578insTer (NM_001375819.1); c.1834del, p.Gly611_Met612insTer (NM_153759.3); c.2401del, p.Gly800_Met801insTer (NM_175629.2).
Identifiers: ClinVar variation 3666457 (VCV003666457.2).

ClinVar aggregate classification (germline): Pathogenic (1 of 4 stars; one submission).

Conditions:
Tatton-Brown-Rahman overgrowth syndrome. Also called: Tatton-Brown-Rahman syndrome; Tall stature-intellectual disability-facial dysmorphism syndrome. Identifiers: Orphanet 404443, MedGen C4014545, MONDO:0014382, OMIM 615879.

Submission:

Labcorp Genetics (formerly Invitae), Labcorp
Classification: Pathogenic for Tatton-Brown-Rahman overgrowth syndrome. Last evaluated: 2024-09-08. Review status: criteria provided, single submitter. Criteria: Invitae Variant Classification Sherloc (09022015). Collection method: clinical testing. Allele origin: germline.
Comment: This sequence change creates a premature translational stop signal (p.Met801*) in the DNMT3A gene. It is expected to result in an absent or disrupted protein product. Loss-of-function variants in DNMT3A are known to be pathogenic (PMID: 24614070). This variant is not present in population databases (gnomAD no frequency). This variant has not been reported in the literature in individuals affected with DNMT3A-related conditions. For these reasons, this variant has been classified as Pathogenic.

Literature cited by the submitters: PubMed 24614070.